The following is an entry in ClinVar:

ClinVar aggregate classification (germline): Likely benign. Review status: criteria provided, single submitter (1 of 4 stars). 2 submissions from 2 submitters: Likely benign (1). 1 of the submissions does not count toward it. Last evaluated 2018-06-29.

Conditions:
KATNIP-related disorder. Also called: KATNIP-related condition.

Allele frequency attached by ClinVar (database versions not stated): TOPMed below 0.00001; gnomAD 0.00001; gnomAD exomes 0.00001 and 0.00002; ExAC 0.00002.
gnomAD v4.1: 17 of 1,614,130 alleles (0.0011%); highest among the groups gnomAD compares: Middle Eastern, 0.016%; no homozygotes.

Submissions (2):

Labcorp Genetics (formerly Invitae), Labcorp
Classification: Likely benign. Last evaluated: 2018-06-29. Review status: criteria provided, single submitter. Criteria: Invitae Variant Classification Sherloc (09022015). Collection method: clinical testing. Allele origin: germline.

PreventionGenetics, part of Exact Sciences
Classification: Likely benign for KATNIP-related condition. Last evaluated: 2022-11-17. Review status: no assertion criteria provided. Collection method: clinical testing. Allele origin: germline. Not counted in ClinVar's aggregate classification.
Comment: This variant is classified as likely benign based on ACMG/AMP sequence variant interpretation guidelines (Richards et al. 2015 PMID: 25741868, with internal and published modifications).

NM_015202.5(KATNIP):c.4083C>A (p.Ile1361=)

Genes: KATNIP (katanin interacting protein; plus strand), LOC126862323 (P300/CBP strongly-dependent group 1 enhancer GRCh37_chr16:27780758-27781957; plus strand). Cytogenetic location: 16p12.1.
Variant type: single nucleotide variant.
Coding change: c.4083C>A on transcript NM_015202.5 (MANE Select); coding-DNA position 4083, C replaced by A.
Protein change: p.Ile1361=; no amino-acid change (isoleucine 1361 retained).
Molecular consequence: synonymous variant.
Genome position (GRCh38, 1-based): chr16:27,769,968, C>A. VCF-style: chr16-27769968-C-A. GRCh37 (hg19) VCF-style: chr16-27781289-C-A.
Other names: c.4083C>A (NM_015202.3).
Identifiers: ClinVar variation 756098 (VCV000756098.5), dbSNP rs775480551, ClinGen allele CA7978484.
Genomic context (GRCh38, chr16:27,769,968, plus strand): 5'-AGAGGGCTTTCTCATCCGGAAGGGGCCAGGCAACTGCCACTTTGATTTTGCTCAAGAAAT[C>A]CTCTTCGTGGACTACCTACGGGCTCAGCTGCTGCCCCAGCCGGCCAGGAGGTGAGGAGAA-3'
Protein context (NP_056017.4, residues 1351-1371): GNCHFDFAQE[Ile1361=]LFVDYLRAQL